The following is an entry in ClinVar:

ClinVar aggregate classification (germline): Uncertain significance (1 of 4 stars; one submission).

Conditions:
Axenfeld-Rieger syndrome type 3 (RIEG3). Also called: AXENFELD-RIEGER ANOMALY WITH CARDIAC DEFECTS AND/OR SENSORINEURAL HEARING LOSS. Identifiers: Orphanet 782, MedGen C2678503, MONDO:0011233, OMIM 602482.

Submission:

Labcorp Genetics (formerly Invitae), Labcorp
Classification: Uncertain significance for Axenfeld-Rieger syndrome type 3. Last evaluated: 2022-09-12. Review status: criteria provided, single submitter. Criteria: Invitae Variant Classification Sherloc (09022015). Collection method: clinical testing. Allele origin: germline.
Comment: In summary, the available evidence is currently insufficient to determine the role of this variant in disease. Therefore, it has been classified as a Variant of Uncertain Significance. This variant has not been reported in the literature in individuals affected with FOXC1-related conditions. This variant is present in population databases (rs747574884, gnomAD 0.01%). This variant, c.1476_1481dup, results in the insertion of 2 amino acid(s) of the FOXC1 protein (p.Ala494_Ala495dup), but otherwise preserves the integrity of the reading frame.

NM_001453.3(FOXC1):c.1464GGC[8] (p.Ala495_Gly496insAlaAla)

Gene: FOXC1 (forkhead box C1; plus strand). Cytogenetic location: 6p25.3.
Variant type: Microsatellite.
Coding change: c.1464GGC[8] on transcript NM_001453.3 (MANE Select); eight copies in a row of the 3-base unit GGC starting at c.1464; the reference has six copies in a row; two copies, 6 bases duplicated.
Protein change: p.Ala495_Gly496insAlaAla.
Molecular consequence: inframe insertion.
Genome position (GRCh38, 1-based): chr6:1,611,921-1,611,926, GGCGGC duplicated; duplicating any 6 consecutive bases within chr6:1,611,907-1,611,926 gives the same sequence; the position shown is the placement nearest the transcript's 3' end. VCF-style (leftmost placement, unchanged base first): chr6-1611906-C-CGCGGCG. GRCh37 (hg19) VCF-style: chr6-1612141-C-CGCGGCG.
Identifiers: ClinVar variation 2050992 (VCV002050992.4), dbSNP rs747574884, ClinGen allele CA3614902.